The following is an entry in ClinVar:

NM_024675.4(PALB2):c.3022C>A (p.Pro1008Thr)

Gene: PALB2 (partner and localizer of BRCA2; minus strand). Cytogenetic location: 16p12.2.
Variant type: single nucleotide variant.
Coding change: c.3022C>A on transcript NM_024675.4 (MANE Select); coding-DNA position 3022, C replaced by A.
Protein change: p.Pro1008Thr; replaces proline 1008 with threonine.
Molecular consequence: missense variant.
Genome position (GRCh38, 1-based): chr16:23,621,453, G>T on the plus strand (C>A on the coding strand, the complement: PALB2 is on the minus strand). VCF-style: chr16-23621453-G-T. GRCh37 (hg19) VCF-style: chr16-23632774-G-T.
Other names: short protein forms P1008T.
Identifiers: ClinVar variation 530113 (VCV000530113.10), dbSNP rs1555459407, ClinGen allele CA395143116.

ClinVar aggregate classification (germline): Conflicting classifications of pathogenicity. Review status: criteria provided, conflicting classifications (1 of 4 stars). 2 submissions from 2 submitters: Uncertain significance (1); Likely benign (1). Last evaluated 2026-09-01.

Conditions:
Hereditary cancer-predisposing syndrome. Also called: Hereditary Cancer Syndrome; Tumor predisposition; Hereditary neoplastic syndrome; Neoplastic Syndromes, Hereditary. Identifiers: Orphanet 140162, MedGen C0027672, MeSH D009386, MONDO:0015356.
Familial cancer of breast. Also called: Hereditary breast cancer; hereditary breast carcinoma; BREAST CANCER, FAMILIAL. Identifiers: Orphanet 227535, MedGen C0346153, MONDO:0016419, OMIM 114480. Disease mechanism: loss of function.

Submissions (2):

Ambry Genetics
Classification: Likely benign for Hereditary cancer-predisposing syndrome. Last evaluated: 2026-09-01. Review status: criteria provided, single submitter. Criteria: Ambry Variant Classification Scheme 2023. Collection method: clinical testing. Allele origin: germline.

Labcorp Genetics (formerly Invitae), Labcorp
Classification: Uncertain significance for Familial cancer of breast. Last evaluated: 2020-02-26. Review status: criteria provided, single submitter. Criteria: Invitae Variant Classification Sherloc (09022015). Collection method: clinical testing. Allele origin: germline.
Comment: This variant has not been reported in the literature in individuals with PALB2-related disease. This sequence change replaces proline with threonine at codon 1008 of the PALB2 protein (p.Pro1008Thr). The proline residue is highly conserved and there is a small physicochemical difference between proline and threonine. This variant is not present in population databases (ExAC no frequency). Algorithms developed to predict the effect of missense changes on protein structure and function do not agree on the potential impact of this missense change (SIFT: "Deleterious"; PolyPhen-2: "Possibly Damaging"; Align-GVGD: "Class C0"). In summary, the available evidence is currently insufficient to determine the role of this variant in disease. Therefore, it has been classified as a Variant of Uncertain Significance.